The following is an entry in ClinVar:

NM_022089.4(ATP13A2):c.3472C>T (p.Arg1158Cys)

Gene: ATP13A2 (ATPase cation transporting 13A2; minus strand). Cytogenetic location: 1p36.13.
Variant type: single nucleotide variant.
Coding change: c.3472C>T on transcript NM_022089.4 (MANE Select); coding-DNA position 3472, C replaced by T.
Protein change: p.Arg1158Cys; replaces arginine 1158 with cysteine.
Molecular consequence: missense variant.
Genome position (GRCh38, 1-based): chr1:16,986,292, G>A on the plus strand (C>T on the coding strand, the complement: ATP13A2 is on the minus strand). VCF-style: chr1-16986292-G-A. GRCh37 (hg19) VCF-style: chr1-17312787-G-A.
Other names: c.3472C>T (NM_022089.2); c.3457C>T, p.Arg1153Cys (NM_001141973.3); c.3170C>T, p.Ala1057Val (NM_001141974.3); short protein forms R1158C, R1153C, A1057V.
Identifiers: ClinVar variation 444159 (VCV000444159.52), dbSNP rs201610681, ClinGen allele CA636474.

ClinVar aggregate classification (germline): Conflicting classifications of pathogenicity. Review status: criteria provided, conflicting classifications (1 of 4 stars). 6 submissions from 6 submitters: Uncertain significance (4); Likely benign (2). Last evaluated 2025-10-01.

Conditions:
Autosomal recessive spastic paraplegia type 78. Identifiers: Orphanet 513436, MedGen C5567893, MONDO:0014975, OMIM 617225.
Kufor-Rakeb syndrome (KRS). Also called: PARKINSON DISEASE 9, AUTOSOMAL RECESSIVE, JUVENILE-ONSET. Identifiers: Orphanet 306674, Orphanet 314632, MedGen C1847640, MONDO:0011706, OMIM 606693.
Inborn genetic diseases. Identifiers: MedGen C0950123, MeSH D030342.

Allele frequency attached by ClinVar (database versions not stated): ESP Exome Variant Server 0.00008; gnomAD 0.00014 and 0.00019; TOPMed 0.00014; ExAC 0.00048.
gnomAD v4.1: 369 of 1,601,206 alleles (0.023%); highest among the groups gnomAD compares: South Asian, 0.14%; 2 homozygotes.

Submissions (6):

CeGaT Center for Human Genetics Tuebingen
Classification: Likely benign. Last evaluated: 2025-10-01. Review status: criteria provided, single submitter. Criteria: CeGaT Center For Human Genetics Tuebingen Variant Classification Criteria Version 2. Collection method: clinical testing. Allele origin: germline. Affected: yes. Observed: 2 variant alleles.
Comment: ATP13A2: BP4

GeneDx
Classification: Uncertain significance. Last evaluated: 2025-05-19. Review status: criteria provided, single submitter. Criteria: GeneDx Variant Classification Process June 2021. Collection method: clinical testing. Allele origin: germline.
Comment: In silico analysis supports that this missense variant has a deleterious effect on protein structure/function; Also known as c.3170C>T p.(A1057V); This variant is associated with the following publications: (PMID: 38173558, 32707456, 36517866, 40335451)

Labcorp Genetics (formerly Invitae), Labcorp
Classification: Uncertain significance for Kufor-Rakeb syndrome; Autosomal recessive spastic paraplegia type 78. Last evaluated: 2025-01-06. Review status: criteria provided, single submitter. Criteria: Invitae Variant Classification Sherloc (09022015). Collection method: clinical testing. Allele origin: germline.
Comment: This sequence change replaces arginine, which is basic and polar, with cysteine, which is neutral and slightly polar, at codon 1158 of the ATP13A2 protein (p.Arg1158Cys). The frequency data for this variant in the population databases is considered unreliable, as metrics indicate poor data quality at this position in the gnomAD database. This variant has not been reported in the literature in individuals affected with ATP13A2-related conditions. ClinVar contains an entry for this variant (Variation ID: 444159). Invitae Evidence Modeling of protein sequence and biophysical properties (such as structural, functional, and spatial information, amino acid conservation, physicochemical variation, residue mobility, and thermodynamic stability) indicates that this missense variant is not expected to disrupt ATP13A2 protein function with a negative predictive value of 95%. In summary, the available evidence is currently insufficient to determine the role of this variant in disease. Therefore, it has been classified as a Variant of Uncertain Significance.

Fulgent Genetics
Classification: Uncertain significance for Kufor-Rakeb syndrome; Autosomal recessive spastic paraplegia type 78. Last evaluated: 2021-09-19. Review status: criteria provided, single submitter. Criteria: ACMG Guidelines, 2015. Collection method: clinical testing. Allele origin: unknown.

Ambry Genetics
Classification: Likely benign for Inborn genetic diseases. Last evaluated: 2021-07-09. Review status: criteria provided, single submitter. Criteria: Ambry Variant Classification Scheme 2023. Collection method: clinical testing. Allele origin: germline.

Breakthrough Genomics
Classification: Uncertain significance. Review status: criteria provided, single submitter. Criteria: ACMG Guidelines, 2015. Collection method: not provided. Allele origin: germline. Inheritance: Autosomal recessive inheritance. Affected: yes.